The following is an entry in ClinVar:

NM_000257.4(MYH7):c.2052G>A (p.Met684Ile)

Gene: MYH7 (myosin heavy chain 7; minus strand). Cytogenetic location: 14q11.2.
Variant type: single nucleotide variant.
Coding change: c.2052G>A on transcript NM_000257.4 (MANE Select); coding-DNA position 2052, G replaced by A.
Protein change: p.Met684Ile; replaces methionine 684 with isoleucine.
Molecular consequence: missense variant.
Genome position (GRCh38, 1-based): chr14:23,426,074, C>T on the plus strand (G>A on the coding strand, the complement: MYH7 is on the minus strand). VCF-style: chr14-23426074-C-T. GRCh37 (hg19) VCF-style: chr14-23895283-C-T.
Other names: short protein forms M684I.
Identifiers: ClinVar variation 164349 (VCV000164349.21), dbSNP rs727503262, ClinGen allele CA011620.
Genomic context (GRCh38, chr14:23,426,074, plus strand): 5'-GATGCGGATGCCCTCCAGCACACCATTGCAGCGCAGCTGGTGCATGACCAGGGGGTTGTC[C>T]ATCACCCCTGTGGCAAGAAGGAAGTAGGAGGAGTCTGTGAGAACACTGGACTGAAGTTCT-3'
Protein context (NP_000248.2, residues 674-694): IPNETKSPGV[Met684Ile]DNPLVMHQLR

ClinVar aggregate classification (germline): Conflicting classifications of pathogenicity. Review status: criteria provided, conflicting classifications (1 of 4 stars). 7 submissions from 7 submitters: Uncertain significance (5); Likely benign (2). Last evaluated 2026-03-27.

Conditions:
Cardiovascular phenotype. Identifiers: MedGen CN230736.
Cardiomyopathy (CMYO). Also called: Cardiomyopathies. Identifiers: Orphanet 167848, MedGen C0878544, MONDO:0004994, HP:0001638. Inheritance: Various modes of inheritance.
Hypertrophic cardiomyopathy. Also called: HYPERTROPHIC MYOCARDIOPATHY. Identifiers: Orphanet 217569, MedGen C0007194, MeSH D002312, MONDO:0005045, HP:0001639.

Allele frequency attached by ClinVar (database versions not stated): gnomAD exomes below 0.00001 and 0.00001; TOPMed below 0.00001; ExAC 0.00001.
gnomAD v4.1: 6 of 1,614,158 alleles (0.00037%); highest among the groups gnomAD compares: Non-Finnish European, 0.00051%; no homozygotes.

Submissions (7):

Molecular Diagnostic Laboratory for Inherited Cardiovascular Disease, Montreal Heart Institute
Classification: Uncertain significance for Cardiovascular phenotype. Last evaluated: 2026-03-27. Review status: criteria provided, single submitter. Criteria: ACMG Guidelines, 2015. Collection method: clinical testing. Allele origin: germline. Affected: yes.
Comment: PM1

Ambry Genetics
Classification: Uncertain significance for Cardiovascular phenotype. Last evaluated: 2025-07-14. Review status: criteria provided, single submitter. Criteria: Ambry Variant Classification Scheme 2023. Collection method: clinical testing. Allele origin: germline.
Comment: The p.M684I variant (also known as c.2052G>A), located in coding exon 17 of the MYH7 gene, results from a G to A substitution at nucleotide position 2052. The methionine at codon 684 is replaced by isoleucine, an amino acid with highly similar properties. This alteration is located in the myosin head domain, which contains a statistically significant clustering of pathogenic missense variants (Homburger JR et al. Proc Natl Acad Sci U S A, 2016 06;113:6701-6; Walsh R et al. Genet Med, 2017 02;19:192-203; Ambry internal data). This amino acid position is not well conserved in available vertebrate species and isoleucine is the reference amino acid in many other vertebrate species. In addition, this alteration is predicted to be tolerated by in silico analysis. Based on the available evidence, the clinical significance of this variant remains unclear.

Blueprint Genetics
Classification: Likely benign. Last evaluated: 2024-05-15. Review status: criteria provided, single submitter. Criteria: ACMG Guidelines, 2015. Collection method: clinical testing. Allele origin: germline.

Labcorp Genetics (formerly Invitae), Labcorp
Classification: Uncertain significance for Hypertrophic cardiomyopathy. Last evaluated: 2023-10-23. Review status: criteria provided, single submitter. Criteria: Invitae Variant Classification Sherloc (09022015). Collection method: clinical testing. Allele origin: germline.
Comment: This sequence change replaces methionine, which is neutral and non-polar, with isoleucine, which is neutral and non-polar, at codon 684 of the MYH7 protein (p.Met684Ile). This variant is present in population databases (rs727503262, gnomAD 0.002%). This variant has not been reported in the literature in individuals affected with MYH7-related conditions. ClinVar contains an entry for this variant (Variation ID: 164349). Advanced modeling of protein sequence and biophysical properties (such as structural, functional, and spatial information, amino acid conservation, physicochemical variation, residue mobility, and thermodynamic stability) performed at Invitae indicates that this missense variant is not expected to disrupt MYH7 protein function. This variant is found within a region of MYH7 between codons 181 and 937 that contains the majority of the myosin head domain. Missense variants in this region have been shown to be significantly overrepresented in individuals with hypertrophic cardiomyopathy (PMID: 27532257). In summary, the available evidence is currently insufficient to determine the role of this variant in disease. Therefore, it has been classified as a Variant of Uncertain Significance.

CHEO Genetics Diagnostic Laboratory, Children's Hospital of Eastern Ontario
Classification: Uncertain significance for Cardiomyopathy. Last evaluated: 2020-07-24. Review status: criteria provided, single submitter. Criteria: ACMG Guidelines, 2015. Collection method: clinical testing. Allele origin: germline.

Laboratory for Molecular Medicine, Mass General Brigham Personalized Medicine
Classification: Likely benign. Last evaluated: 2015-11-09. Review status: criteria provided, single submitter. Criteria: LMM Criteria. Collection method: clinical testing. Allele origin: germline. Observed: 2 variant alleles.
Comment: p.Met684Ile in exon 19 of MYH7: This variant is not expected to have clinical si gnificance due to a lack of conservation across species, including mammals. Of n ote, >20 mammals have an isoleucine (Ile) at this position. It has been identifi ed in 1/65670 European chromosomes by the Exome Aggregation Consortium (ExAC,, dbSNP rs727503262).

Eurofins Ntd Llc (ga)
Classification: Uncertain significance. Last evaluated: 2015-01-05. Review status: criteria provided, single submitter. Criteria: EGL Classification Definitions 2015. Collection method: clinical testing. Allele origin: germline. Observed: 1 variant allele, 1 heterozygote.

Literature cited by the submitters: PubMed 27532257 (cited by Labcorp Genetics (formerly Invitae), Labcorp).